The following is an entry in ClinVar:

ClinVar aggregate classification (germline): Conflicting classifications of pathogenicity. Review status: criteria provided, conflicting classifications (1 of 4 stars). 4 submissions from 4 submitters: Uncertain significance (1); Likely benign (3). Last evaluated 2026-05-13.

Conditions:
GLI2-related disorder. Also called: GLI2-related condition; GLI2-related disorders.
Postaxial polydactyly-anterior pituitary anomalies-facial dysmorphism syndrome. Also called: Culler-Jones syndrome. Identifiers: Orphanet 420584, MedGen C4014479, MONDO:0014369, OMIM 615849.
Holoprosencephaly 9 (HPE9). Also called: PITUITARY ANOMALIES WITH HOLOPROSENCEPHALY-LIKE FEATURES; HOLOPROSENCEPHALY WITH MICROPHTHALMIA AND FIRST BRANCHIAL ARCH ANOMALIES. Identifiers: Orphanet 2162, MedGen C1835819, MONDO:0012563, OMIM 610829.

Allele frequency attached by ClinVar (database versions not stated): ExAC below 0.00001; gnomAD exomes 0.00006 and 0.00019; gnomAD 0.00011 and 0.00012; TOPMed 0.00017.
gnomAD v4.1: 101 of 1,490,040 alleles (0.0068%); highest among the groups gnomAD compares: Middle Eastern, 0.094%; no homozygotes.

Submissions (4):

PreventionGenetics, part of Exact Sciences
Classification: Likely benign for GLI2-related condition. Last evaluated: 2026-05-13. Review status: criteria provided, single submitter. Criteria: ACMG Guidelines, 2015. Collection method: clinical testing. Allele origin: germline.
Comment: This variant is classified as likely benign based on ACMG/AMP sequence variant interpretation guidelines (Richards et al. 2015 PMID: 25741868, with internal and published modifications).

Women's Health and Genetics/Laboratory Corporation of America, LabCorp
Classification: Likely benign. Last evaluated: 2026-03-03. Review status: criteria provided, single submitter. Criteria: LabCorp Variant Classification Summary - May 2015. Collection method: clinical testing. Allele origin: germline.

Labcorp Genetics (formerly Invitae), Labcorp
Classification: Likely benign for Postaxial polydactyly-anterior pituitary anomalies-facial dysmorphism syndrome; Holoprosencephaly 9. Last evaluated: 2025-08-18. Review status: criteria provided, single submitter. Criteria: Invitae Variant Classification Sherloc (09022015). Collection method: clinical testing. Allele origin: germline.

Eurofins Ntd Llc (ga)
Classification: Uncertain significance. Last evaluated: 2018-03-02. Review status: criteria provided, single submitter. Criteria: EGL ClinVar v180209 classification definitions. Collection method: clinical testing. Allele origin: germline. Observed: 1 variant allele, 1 heterozygote.

NM_001374353.1(GLI2):c.2886G>A (p.Leu962=)

Gene: GLI2 (GLI family zinc finger 2; plus strand). Cytogenetic location: 2q14.2.
Variant type: single nucleotide variant.
Coding change: c.2886G>A on transcript NM_001374353.1 (MANE Select); coding-DNA position 2886, G replaced by A.
Protein change: p.Leu962=; no amino-acid change (leucine 962 retained).
Molecular consequence: synonymous variant.
Genome position (GRCh38, 1-based): chr2:120,988,851, G>A. VCF-style: chr2-120988851-G-A. GRCh37 (hg19) VCF-style: chr2-121746427-G-A.
Other names: c.2937G>A, p.Leu979= (NM_001371271.1, NM_005270.5); c.2511G>A, p.Leu837= (NM_001374354.1).
Identifiers: ClinVar variation 596158 (VCV000596158.16), dbSNP rs777165274, ClinGen allele CA1852282.